The following is an entry in ClinVar:

ClinVar aggregate classification (germline): Uncertain significance. Review status: criteria provided, multiple submitters, no conflicts (2 of 4 stars). 2 submissions from 2 submitters: Uncertain significance (2). Last evaluated 2024-09-07.

Conditions:
Hereditary cancer-predisposing syndrome. Also called: Neoplastic Syndromes, Hereditary; Tumor predisposition; Hereditary Cancer Syndrome; Hereditary neoplastic syndrome. Identifiers: Orphanet 140162, MedGen C0027672, MeSH D009386, MONDO:0015356.
Familial cancer of breast. Also called: Hereditary breast cancer; hereditary breast carcinoma; BREAST CANCER, FAMILIAL. Identifiers: Orphanet 227535, MedGen C0346153, MONDO:0016419, OMIM 114480. Disease mechanism: loss of function.

Submissions (2):

Labcorp Genetics (formerly Invitae), Labcorp
Classification: Uncertain significance for Familial cancer of breast. Last evaluated: 2024-09-07. Review status: criteria provided, single submitter. Criteria: Invitae Variant Classification Sherloc (09022015). Collection method: clinical testing. Allele origin: germline.
Comment: This sequence change replaces alanine, which is neutral and non-polar, with aspartic acid, which is acidic and polar, at codon 35 of the BARD1 protein (p.Ala35Asp). This variant is not present in population databases (gnomAD no frequency). This variant has not been reported in the literature in individuals affected with BARD1-related conditions. ClinVar contains an entry for this variant (Variation ID: 999881). An algorithm developed to predict the effect of missense changes on protein structure and function (PolyPhen-2) suggests that this variant is likely to be tolerated. In summary, the available evidence is currently insufficient to determine the role of this variant in disease. Therefore, it has been classified as a Variant of Uncertain Significance.

Ambry Genetics
Classification: Uncertain significance for Hereditary cancer-predisposing syndrome. Last evaluated: 2015-10-08. Review status: criteria provided, single submitter. Criteria: Ambry Variant Classification Scheme 2023. Collection method: clinical testing. Allele origin: germline.
Comment: The p.A35D variant (also known as c.104C>A), located in coding exon 1 of the BARD1 gene, results from a C to A substitution at nucleotide position 104. The alanine at codon 35 is replaced by aspartic acid, an amino acid with dissimilar properties. This variant was not reported in population based cohorts in the following databases: Database of Single Nucleotide Polymorphisms (dbSNP), NHLBI Exome Sequencing Project (ESP), and 1000 Genomes Project. In the ESP, this variant was not observed in 6245 samples (12490 alleles) with coverage at this position. To date, this alteration has been detected with an allele frequency of approximately 0.002% (greater than 65000 alleles tested) in our clinical cohort. This amino acid position is not well conserved in available vertebrate species. In addition, this alteration is predicted to be tolerated by in silico analysis. Since supporting evidence is limited at this time, the clinical significance of p.A35D remains unclear.

NM_000465.4(BARD1):c.104C>A (p.Ala35Asp)

Gene: BARD1 (BRCA1 associated RING domain 1; minus strand). Cytogenetic location: 2q35.
Variant type: single nucleotide variant.
Coding change: c.104C>A on transcript NM_000465.4 (MANE Select); coding-DNA position 104, C replaced by A.
Protein change: p.Ala35Asp; replaces alanine 35 with aspartic acid.
Molecular consequence: missense variant. On other transcripts: non-coding transcript variant (3).
Genome position (GRCh38, 1-based): chr2:214,809,466, G>T on the plus strand (C>A on the coding strand, the complement: BARD1 is on the minus strand). VCF-style: chr2-214809466-G-T. GRCh37 (hg19) VCF-style: chr2-215674190-G-T.
Other names: c.104C>A, p.Ala35Asp (NM_001282543.2, NM_001282545.2, NM_001282548.2 and 1 more transcripts); short protein forms A35D.
Identifiers: ClinVar variation 999881 (VCV000999881.12), dbSNP rs786203646, ClinGen allele CA350465018.
Genomic context (GRCh38, chr2:214,809,466, plus strand): 5'-CTTTACCAACGCGAGCAGCGCAGCAGCTTCTCCAGGCGGTCGAGCGCGGCGCGACTGTGG[G>T]CCCAGGCACCGCGACCATCCGGTTCCATGGCGGGCGCGGAACGAGGCTCGTTCCCGGAGC-3'
Protein context (NP_000456.2, residues 25-45): AMEPDGRGAW[Ala35Asp]HSRAALDRLE